The following is an entry in ClinVar:

ClinVar aggregate classification (germline): Uncertain significance (1 of 4 stars; one submission).

Submission:

Labcorp Genetics (formerly Invitae), Labcorp
Classification: Uncertain significance. Last evaluated: 2024-12-07. Review status: criteria provided, single submitter. Criteria: Invitae Variant Classification Sherloc (09022015). Collection method: clinical testing. Allele origin: germline.
Comment: This sequence change replaces aspartic acid, which is acidic and polar, with glycine, which is neutral and non-polar, at codon 4308 of the PCLO protein (p.Asp4308Gly). This variant is not present in population databases (gnomAD no frequency). This variant has not been reported in the literature in individuals affected with PCLO-related conditions. Experimental studies and prediction algorithms are not available or were not evaluated, and the functional significance of this variant is currently unknown. In summary, the available evidence is currently insufficient to determine the role of this variant in disease. Therefore, it has been classified as a Variant of Uncertain Significance.

NM_033026.6(PCLO):c.12923A>G (p.Asp4308Gly)

Gene: PCLO (piccolo presynaptic cytomatrix protein; minus strand). Cytogenetic location: 7q21.11.
Variant type: single nucleotide variant.
Coding change: c.12923A>G on transcript NM_033026.6 (MANE Select); coding-DNA position 12923, A replaced by G.
Protein change: p.Asp4308Gly; replaces aspartic acid 4308 with glycine.
Molecular consequence: missense variant.
Genome position (GRCh38, 1-based): chr7:82,915,063, T>C on the plus strand (A>G on the coding strand, the complement: PCLO is on the minus strand). VCF-style: chr7-82915063-T-C. GRCh37 (hg19) VCF-style: chr7-82544379-T-C.
Other names: c.12923A>G, p.Asp4308Gly (NM_014510.3); short protein forms D4308G.
Identifiers: ClinVar variation 3726760 (VCV003726760.2).
Genomic context (GRCh38, chr7:82,915,063, plus strand): 5'-AAGGAAACATCTAGAGCTTCAGCCTCTTGAGCTTTCAGTCTTAGGGAAGAGCTAGAAGAA[T>C]CCCTTTTAATTGATAAATCAAGCCCATAGACAGAGGAAGGTCTGGAGGAAGGTCTGGACC-3'
Protein context (NP_149015.2, residues 4298-4318): VYGLDLSIKR[Asp4308Gly]SSSSSLRLKA